The following is an entry in ClinVar:

ClinVar aggregate classification (germline): Uncertain significance (1 of 4 stars; one submission).

Submission:

GeneDx
Classification: Uncertain significance. Last evaluated: 2023-12-11. Review status: criteria provided, single submitter. Criteria: GeneDx Variant Classification Process June 2021. Collection method: clinical testing. Allele origin: germline. Affected: yes.
Comment: Not observed at significant frequency in large population cohorts (gnomAD); In silico analysis supports a deleterious effect on splicing; Has not been previously published as pathogenic or benign to our knowledge

NM_000829.4(GRIA4):c.247+5G>C

Gene: GRIA4 (glutamate ionotropic receptor AMPA type subunit 4; plus strand). Cytogenetic location: 11q22.3.
Variant type: single nucleotide variant.
Coding change: c.247+5G>C on transcript NM_000829.4 (MANE Select); 5 bases into the intron after coding-DNA position 247, G replaced by C.
Molecular consequence: intron variant.
Genome position (GRCh38, 1-based): chr11:105,612,439, G>C. VCF-style: chr11-105612439-G-C. GRCh37 (hg19) VCF-style: chr11-105483166-G-C.
Other names: c.247+5G>C (NM_001077243.3, NM_001077244.2, NM_001112812.2).
Identifiers: ClinVar variation 3253108 (VCV003253108.1), dbSNP rs2496353794.